The following is an entry in ClinVar:

ClinVar aggregate classification (germline): Likely benign (0 of 4 stars; one submission).

Conditions:
MTMR7-related disorder. Also called: MTMR7-related condition.

Allele frequency attached by ClinVar (database versions not stated): TOPMed below 0.00001.
gnomAD v4.1: 2 of 1,613,412 alleles (0.00012%); no homozygotes.

Submission:

PreventionGenetics, part of Exact Sciences
Classification: Likely benign for MTMR7-related condition. Last evaluated: 2019-07-31. Review status: no assertion criteria provided. Collection method: clinical testing. Allele origin: germline.
Comment: This variant is classified as likely benign based on ACMG/AMP sequence variant interpretation guidelines (Richards et al. 2015 PMID: 25741868, with internal and published modifications).

NM_004686.5(MTMR7):c.1185C>T (p.Ile395=)

Genes: MTMR7 (myotubularin related protein 7; minus strand), VPS37A (VPS37A subunit of ESCRT-I; plus strand). Cytogenetic location: 8p22.
Variant type: single nucleotide variant.
Coding change: c.1185C>T on transcript NM_004686.5 (MANE Select); coding-DNA position 1185, C replaced by T.
Protein change: p.Ile395=; no amino-acid change (isoleucine 395 retained).
Molecular consequence: synonymous variant. On other transcripts: intron variant (2).
Genome position (GRCh38, 1-based): chr8:17,305,924, G>A on the plus strand (C>T on the coding strand, the complement: MTMR7 is on the minus strand). VCF-style: chr8-17305924-G-A. GRCh37 (hg19) VCF-style: chr8-17163433-G-A.
Other names: c.*906+19497G>A (NM_001363172.2); c.*1194+19497G>A (NM_001363173.2).
Identifiers: ClinVar variation 3034900 (VCV003034900.2), dbSNP rs762977989, ClinGen allele CA459634200.